The following is an entry in ClinVar:

NM_005886.3(KATNB1):c.1793C>T (p.Ala598Val)

Gene: KATNB1 (katanin regulatory subunit B1; plus strand). Cytogenetic location: 16q21.
Variant type: single nucleotide variant.
Coding change: c.1793C>T on transcript NM_005886.3 (MANE Select); coding-DNA position 1793, C replaced by T.
Protein change: p.Ala598Val; replaces alanine 598 with valine.
Molecular consequence: missense variant.
Genome position (GRCh38, 1-based): chr16:57,756,430, C>T. VCF-style: chr16-57756430-C-T. GRCh37 (hg19) VCF-style: chr16-57790342-C-T.
Other names: short protein forms A598V.
Identifiers: ClinVar variation 3626306 (VCV003626306.2).

ClinVar aggregate classification (germline): Uncertain significance (1 of 4 stars; one submission).

gnomAD v4.1: 38 of 1,613,814 alleles (0.0024%); highest among the groups gnomAD compares: Middle Eastern, 0.033%; no homozygotes.

Submission:

Labcorp Genetics (formerly Invitae), Labcorp
Classification: Uncertain significance. Last evaluated: 2025-01-05. Review status: criteria provided, single submitter. Criteria: Invitae Variant Classification Sherloc (09022015). Collection method: clinical testing. Allele origin: germline.
Comment: This sequence change replaces alanine, which is neutral and non-polar, with valine, which is neutral and non-polar, at codon 598 of the KATNB1 protein (p.Ala598Val). This variant is present in population databases (rs202016179, gnomAD 0.01%). This variant has not been reported in the literature in individuals affected with KATNB1-related conditions. Invitae Evidence Modeling of protein sequence and biophysical properties (such as structural, functional, and spatial information, amino acid conservation, physicochemical variation, residue mobility, and thermodynamic stability) indicates that this missense variant is not expected to disrupt KATNB1 protein function with a negative predictive value of 95%. In summary, the available evidence is currently insufficient to determine the role of this variant in disease. Therefore, it has been classified as a Variant of Uncertain Significance.